The following is an entry in ClinVar:

ClinVar aggregate classification (germline): Uncertain significance. Review status: criteria provided, multiple submitters, no conflicts (2 of 4 stars). 2 submissions from 2 submitters: Uncertain significance (2). Last evaluated 2024-04-19.

Conditions:
Inborn genetic diseases. Identifiers: MedGen C0950123, MeSH D030342.

Allele frequency attached by ClinVar (database versions not stated): gnomAD exomes 0.00001.
gnomAD v4.1: 5 of 1,613,774 alleles (0.00031%); highest among the groups gnomAD compares: East Asian, 0.011%; no homozygotes.

Submissions (2):

Ambry Genetics
Classification: Uncertain significance for Inborn genetic diseases. Last evaluated: 2024-04-19. Review status: criteria provided, single submitter. Criteria: Ambry Variant Classification Scheme 2023. Collection method: clinical testing. Allele origin: germline.
Comment: The p.P294R variant (also known as c.881C>G), located in coding exon 4 of the ATR gene, results from a C to G substitution at nucleotide position 881. The proline at codon 294 is replaced by arginine, an amino acid with dissimilar properties. This amino acid position is conserved. In addition, this alteration is predicted to be deleterious by in silico analysis. Since supporting evidence is limited at this time, the clinical significance of this alteration remains unclear.

Labcorp Genetics (formerly Invitae), Labcorp
Classification: Uncertain significance. Last evaluated: 2021-12-24. Review status: criteria provided, single submitter. Criteria: Invitae Variant Classification Sherloc (09022015). Collection method: clinical testing. Allele origin: germline.
Comment: This sequence change replaces proline, which is neutral and non-polar, with arginine, which is basic and polar, at codon 294 of the ATR protein (p.Pro294Arg). In summary, the available evidence is currently insufficient to determine the role of this variant in disease. Therefore, it has been classified as a Variant of Uncertain Significance. Algorithms developed to predict the effect of missense changes on protein structure and function are either unavailable or do not agree on the potential impact of this missense change (SIFT: "Tolerated"; PolyPhen-2: "Probably Damaging"; Align-GVGD: "Class C0"). This variant has not been reported in the literature in individuals affected with ATR-related conditions. This variant is present in population databases (no rsID available, gnomAD 0.01%).

NM_001184.4(ATR):c.881C>G (p.Pro294Arg)

Gene: ATR (ATR checkpoint kinase; minus strand). Cytogenetic location: 3q23.
Variant type: single nucleotide variant.
Coding change: c.881C>G on transcript NM_001184.4 (MANE Select); coding-DNA position 881, C replaced by G.
Protein change: p.Pro294Arg; replaces proline 294 with arginine.
Molecular consequence: missense variant.
Genome position (GRCh38, 1-based): chr3:142,562,521, G>C on the plus strand (C>G on the coding strand, the complement: ATR is on the minus strand). VCF-style: chr3-142562521-G-C. GRCh37 (hg19) VCF-style: chr3-142281363-G-C.
Other names: c.881C>G, p.Pro294Arg (NM_001354579.2); short protein forms P294R.
Identifiers: ClinVar variation 1764773 (VCV001764773.8), dbSNP rs1434785489, ClinGen allele CA354825029.